The following is an entry in ClinVar:

ClinVar aggregate classification (germline): Uncertain significance (1 of 4 stars; one submission).

Submission:

Labcorp Genetics (formerly Invitae), Labcorp
Classification: Uncertain significance. Last evaluated: 2022-08-11. Review status: criteria provided, single submitter. Criteria: Invitae Variant Classification Sherloc (09022015). Collection method: clinical testing. Allele origin: germline.
Comment: In summary, the available evidence is currently insufficient to determine the role of this variant in disease. Therefore, it has been classified as a Variant of Uncertain Significance. Algorithms developed to predict the effect of missense changes on protein structure and function are either unavailable or do not agree on the potential impact of this missense change (SIFT: "Deleterious"; PolyPhen-2: "Probably Damaging"; Align-GVGD: "Class C0"). This variant has not been reported in the literature in individuals affected with PTH1R-related conditions. This variant is not present in population databases (gnomAD no frequency). This sequence change replaces valine, which is neutral and non-polar, with glutamic acid, which is acidic and polar, at codon 127 of the PTH1R protein (p.Val127Glu).

NM_000316.3(PTH1R):c.380T>A (p.Val127Glu)

Genes: PTH1R (parathyroid hormone 1 receptor; plus strand), LOC129936652 (ATAC-STARR-seq lymphoblastoid silent region 14297; plus strand). Cytogenetic location: 3p21.31.
Variant type: single nucleotide variant.
Coding change: c.380T>A on transcript NM_000316.3 (MANE Select); coding-DNA position 380, T replaced by A.
Protein change: p.Val127Glu; replaces valine 127 with glutamic acid.
Molecular consequence: missense variant.
Genome position (GRCh38, 1-based): chr3:46,897,921, T>A. VCF-style: chr3-46897921-T-A. GRCh37 (hg19) VCF-style: chr3-46939411-T-A.
Other names: c.380T>A, p.Val127Glu (NM_001184744.1); short protein forms V127E.
Identifiers: ClinVar variation 2097223 (VCV002097223.4), dbSNP rs1161896201, ClinGen allele CA352494368.